The following is an entry in ClinVar:

NM_000278.5(PAX2):c.798C>T (p.Asn266=)

Gene: PAX2 (paired box 2; plus strand). Cytogenetic location: 10q24.31.
Variant type: single nucleotide variant.
Coding change: c.798C>T on transcript NM_000278.5 (MANE Select); coding-DNA position 798, C replaced by T.
Protein change: p.Asn266=; no amino-acid change (asparagine 266 retained).
Molecular consequence: synonymous variant.
Genome position (GRCh38, 1-based): chr10:100,809,115, C>T. VCF-style: chr10-100809115-C-T. GRCh37 (hg19) VCF-style: chr10-102568872-C-T.
Other names: p.Asn266=; c.891C>T, p.Asn297= (NM_001304569.2); c.867C>T, p.Asn289= (NM_003987.5, NM_003990.5); c.798C>T, p.Asn266= (NM_003988.5, NM_003989.5).
Identifiers: ClinVar variation 156298 (VCV000156298.18), dbSNP rs1800897, ClinGen allele CA233175.

ClinVar aggregate classification (germline): Benign. Review status: criteria provided, multiple submitters, no conflicts (2 of 4 stars). 10 submissions from 10 submitters: Benign (7). 3 of the submissions do not count toward it. Last evaluated 2026-02-02.

Conditions:
Renal coloboma syndrome (PAPRS). Also called: CONGENITAL ANOMALIES OF THE KIDNEY AND URINARY TRACT WITH OR WITHOUT OCULAR ABNORMALITIES; CAKUT WITH OR WITHOUT OCULAR ABNORMALITIES; OPTIC COLOBOMA, VESICOURETERAL REFLUX, AND RENAL ANOMALIES; OPTIC NERVE COLOBOMA WITH RENAL DISEASE; RENAL-COLOBOMA SYNDROME WITH MACULAR ABNORMALITIES; PAPILLORENAL SYNDROME WITH MILD OCULAR ABNORMALITIES. Identifiers: Orphanet 1475, MedGen C1852759, MONDO:0007352, OMIM 120330.
Focal segmental glomerulosclerosis 7 (FSGS7). Identifiers: Orphanet 656, MedGen C4014925, MONDO:0014451, OMIM 616002.

Allele frequency attached by ClinVar (database versions not stated): gnomAD exomes 0.07441; ExAC 0.08037; gnomAD 0.12513 and 0.12916; TOPMed 0.13657; ESP Exome Variant Server 0.13732; 1000 Genomes Project 30x 0.15803; 1000 Genomes Project 0.15815.
gnomAD v4.1: 94,144 of 1,611,838 alleles (5.8%); highest among the groups gnomAD compares: African/African-American, 34%; 6,422 homozygotes.

Submissions (10):

Labcorp Genetics (formerly Invitae), Labcorp
Classification: Benign for Renal coloboma syndrome; Focal segmental glomerulosclerosis 7. Last evaluated: 2026-02-02. Review status: criteria provided, single submitter. Criteria: Invitae Variant Classification Sherloc (09022015). Collection method: clinical testing. Allele origin: germline.

Blueprint Genetics
Classification: Benign. Last evaluated: 2024-11-27. Review status: criteria provided, single submitter. Criteria: ACMG Guidelines, 2015. Collection method: clinical testing. Allele origin: germline.

Mayo Clinic Laboratories, Mayo Clinic
Classification: Benign. Last evaluated: 2022-03-09. Review status: criteria provided, single submitter. Criteria: ACMG Guidelines, 2015. Collection method: clinical testing. Allele origin: germline. Observed: 90 variant alleles.

Fulgent Genetics
Classification: Benign for Renal coloboma syndrome; Focal segmental glomerulosclerosis 7. Last evaluated: 2021-12-29. Review status: criteria provided, single submitter. Criteria: ACMG Guidelines, 2015. Collection method: clinical testing. Allele origin: unknown.

GeneDx
Classification: Benign. Last evaluated: 2015-03-03. Review status: criteria provided, single submitter. Criteria: GeneDx Variant Classification Process June 2021. Collection method: clinical testing. Allele origin: germline. Affected: yes.

Breakthrough Genomics
Classification: Benign. Review status: criteria provided, single submitter. Criteria: ACMG Guidelines, 2015. Collection method: not provided. Allele origin: germline. Inheritance: Autosomal dominant inheritance. Affected: yes.

PreventionGenetics, part of Exact Sciences
Classification: Benign. Review status: criteria provided, single submitter. Criteria: ACMG Guidelines, 2015. Collection method: clinical testing. Allele origin: germline.

ClinVar Staff, National Center for Biotechnology Information (NCBI)
No classification provided. Review status: no classification provided. Collection method: not provided. Allele origin: unknown. Not counted in ClinVar's aggregate classification.
Comment: Based on information supplied by Professor Michael Eccles, Head of the Developmental Genetics, Dunedin School of Medicine, New Zealand.

Genome Diagnostics Laboratory, University Medical Center Utrecht
Classification: Benign. Review status: no assertion criteria provided. Collection method: clinical testing. Allele origin: germline. Affected: yes. Study: VKGL Data-share Consensus. Not counted in ClinVar's aggregate classification.

Joint Genome Diagnostic Labs from Nijmegen and Maastricht, Radboudumc and MUMC+
Classification: Benign. Review status: no assertion criteria provided. Collection method: clinical testing. Allele origin: germline. Affected: yes. Study: VKGL Data-share Consensus. Not counted in ClinVar's aggregate classification.